The following is an entry in ClinVar:

NM_002890.3(RASA1):c.539+6T>G

Gene: RASA1 (RAS p21 protein activator 1; plus strand). Cytogenetic location: 5q14.3.
Variant type: single nucleotide variant.
Coding change: c.539+6T>G on transcript NM_002890.3 (MANE Select); 6 bases into the intron after coding-DNA position 539, T replaced by G.
Molecular consequence: intron variant. On other transcripts: 5 prime UTR variant (1).
Genome position (GRCh38, 1-based): chr5:87,268,996, T>G. VCF-style: chr5-87268996-T-G. GRCh37 (hg19) VCF-style: chr5-86564813-T-G.
Other names: c.-52T>G (NM_022650.3).
Identifiers: ClinVar variation 2088637 (VCV002088637.4), dbSNP rs2531003875, ClinGen allele CA2580073692.

ClinVar aggregate classification (germline): Uncertain significance (1 of 4 stars; one submission).

Conditions:
Capillary malformation-arteriovenous malformation syndrome. Also called: Capillary malformation-arteriovenous malformation. Identifiers: Orphanet 137667, MedGen C1842180, MONDO:0012016.

Submission:

Labcorp Genetics (formerly Invitae), Labcorp
Classification: Uncertain significance for Capillary malformation-arteriovenous malformation syndrome. Last evaluated: 2022-01-21. Review status: criteria provided, single submitter. Criteria: Invitae Variant Classification Sherloc (09022015). Collection method: clinical testing. Allele origin: germline.
Comment: This sequence change falls in intron 1 of the RASA1 gene. It does not directly change the encoded amino acid sequence of the RASA1 protein. It affects a nucleotide within the consensus splice site. This variant is not present in population databases (gnomAD no frequency). This variant has not been reported in the literature in individuals affected with RASA1-related conditions. Variants that disrupt the consensus splice site are a relatively common cause of aberrant splicing (PMID: 17576681, 9536098). Algorithms developed to predict the effect of sequence changes on RNA splicing suggest that this variant may disrupt the consensus splice site. In summary, the available evidence is currently insufficient to determine the role of this variant in disease. Therefore, it has been classified as a Variant of Uncertain Significance.

Literature cited by the submitters: PubMed 17576681; PubMed 9536098.